The following is an entry in ClinVar:

NM_000088.4(COL1A1):c.3571C>G (p.Pro1191Ala)

Gene: COL1A1 (collagen type I alpha 1 chain; minus strand). Cytogenetic location: 17q21.33.
Variant type: single nucleotide variant.
Coding change: c.3571C>G on transcript NM_000088.4 (MANE Select); coding-DNA position 3571, C replaced by G.
Protein change: p.Pro1191Ala; replaces proline 1191 with alanine.
Molecular consequence: missense variant.
Genome position (GRCh38, 1-based): chr17:50,186,883, G>C on the plus strand (C>G on the coding strand, the complement: COL1A1 is on the minus strand). VCF-style: chr17-50186883-G-C. GRCh37 (hg19) VCF-style: chr17-48264244-G-C.
Other names: p.Pro1191Ala; short protein forms P1191A.
Identifiers: ClinVar variation 706903 (VCV000706903.27), dbSNP rs142570406, ClinGen allele CA8644393.

ClinVar aggregate classification (germline): Conflicting classifications of pathogenicity. Review status: criteria provided, conflicting classifications (1 of 4 stars). 8 submissions from 8 submitters: Uncertain significance (1); Likely benign (7). Last evaluated 2026-05-04.

Conditions:
COL1A1-related disorder. Also called: COL1A1- related disease; COL1A1-related condition.
Cardiovascular phenotype. Identifiers: MedGen CN230736.
Osteogenesis imperfecta type I (OI1). Also called: Lobstein disease; OI, TYPE I; OSTEOGENESIS IMPERFECTA TARDA; OSTEOGENESIS IMPERFECTA WITH BLUE SCLERAE; Classic Non-deforming Osteogenesis Imperfecta with Blue Sclerae; Osteogenesis imperfecta type 1. Identifiers: Orphanet 216796, Orphanet 666, MedGen C0023931, MONDO:0008146, OMIM 166200. Disease mechanism: loss of function.
Osteogenesis imperfecta (OI). Identifiers: Orphanet 666, MedGen C0029434, MeSH D010013, MONDO:0019019.

Allele frequency attached by ClinVar (database versions not stated): gnomAD exomes 0.00004 and 0.00012; ExAC 0.00016; 1000 Genomes Project 0.00040; gnomAD 0.00056 and 0.00059; 1000 Genomes Project 30x 0.00062; ESP Exome Variant Server 0.00062; TOPMed 0.00066.
gnomAD v4.1: 156 of 1,613,978 alleles (0.0097%); highest among the groups gnomAD compares: African/African-American, 0.17%; 1 homozygote.

Submissions (8):

Women's Health and Genetics/Laboratory Corporation of America, LabCorp
Classification: Likely benign. Last evaluated: 2026-05-04. Review status: criteria provided, single submitter. Criteria: LabCorp Variant Classification Summary - May 2015. Collection method: clinical testing. Allele origin: germline.

Labcorp Genetics (formerly Invitae), Labcorp
Classification: Likely benign for Osteogenesis imperfecta type I. Last evaluated: 2026-01-20. Review status: criteria provided, single submitter. Criteria: Invitae Variant Classification Sherloc (09022015). Collection method: clinical testing. Allele origin: germline.

Mayo Clinic Laboratories, Mayo Clinic
Classification: Likely benign. Last evaluated: 2025-08-05. Review status: criteria provided, single submitter. Criteria: ACMG Guidelines, 2015. Collection method: clinical testing. Allele origin: germline. Observed: 1 variant allele.
Comment: BS1, BS2_supporting

PreventionGenetics, part of Exact Sciences
Classification: Likely benign for COL1A1-related condition. Last evaluated: 2025-03-11. Review status: criteria provided, single submitter. Criteria: ACMG Guidelines, 2015. Collection method: clinical testing. Allele origin: germline.
Comment: This variant is classified as likely benign based on ACMG/AMP sequence variant interpretation guidelines (Richards et al. 2015 PMID: 25741868, with internal and published modifications).

Ambry Genetics
Classification: Likely benign for Cardiovascular phenotype. Last evaluated: 2024-05-07. Review status: criteria provided, single submitter. Criteria: Ambry Variant Classification Scheme 2023. Collection method: clinical testing. Allele origin: germline.

ARUP Laboratories, Molecular Genetics and Genomics, ARUP Laboratories
Classification: Likely benign. Last evaluated: 2021-11-09. Review status: criteria provided, single submitter. Criteria: ARUP Molecular Germline Variant Investigation Process 2021. Collection method: clinical testing. Allele origin: germline.

GeneDx
Classification: Likely benign. Last evaluated: 2020-01-20. Review status: criteria provided, single submitter. Criteria: GeneDx Variant Classification Process June 2021. Collection method: clinical testing. Allele origin: germline. Affected: yes.

Genome Diagnostics Laboratory, The Hospital for Sick Children
Classification: Uncertain significance for Osteogenesis imperfecta. Last evaluated: 2019-02-01. Review status: criteria provided, single submitter. Criteria: ACMG Guidelines, 2015. Collection method: clinical testing. Allele origin: germline.